The following is an entry in ClinVar:

ClinVar aggregate classification (germline): Conflicting classifications of pathogenicity. Review status: criteria provided, conflicting classifications (1 of 4 stars). 2 submissions from 2 submitters: Likely pathogenic (1); Uncertain significance (1). Last evaluated 2026-07-07.

Conditions:
Ciliopathy. Also called: Ciliopathies. Identifiers: Orphanet 363250, MedGen C4277690, MONDO:0005308, MeSH D000072661.

Allele frequency attached by ClinVar (database versions not stated): gnomAD exomes below 0.00001.

Submissions (2):

Medgenome Labs Ltd
Classification: Uncertain significance for Ciliopathy. Last evaluated: 2026-07-07. Review status: criteria provided, single submitter. Criteria: ACMG Guidelines, 2015. Collection method: clinical testing. Allele origin: germline. Affected: yes.

Labcorp Genetics (formerly Invitae), Labcorp
Classification: Likely pathogenic. Last evaluated: 2022-08-27. Review status: criteria provided, single submitter. Criteria: Invitae Variant Classification Sherloc (09022015). Collection method: clinical testing. Allele origin: germline.
Comment: This variant results in the deletion of part of exon 6 (c.425_426+2del) of the SCLT1 gene. It is expected to disrupt RNA splicing. Variants that disrupt the donor or acceptor splice site typically lead to a loss of protein function (PMID: 16199547), and loss-of-function variants in SCLT1 are known to be pathogenic (PMID: 28005958). This variant is not present in population databases (gnomAD no frequency). This variant has not been reported in the literature in individuals affected with SCLT1-related conditions. Algorithms developed to predict the effect of sequence changes on RNA splicing suggest that this variant may disrupt the consensus splice site. In summary, the currently available evidence indicates that the variant is pathogenic, but additional data are needed to prove that conclusively. Therefore, this variant has been classified as Likely Pathogenic.

Literature cited by the submitters: PubMed 16199547 (cited by Labcorp Genetics (formerly Invitae), Labcorp); PubMed 28005958 (cited by Labcorp Genetics (formerly Invitae), Labcorp).

NM_144643.4(SCLT1):c.425_426+2del

Gene: SCLT1 (sodium channel and clathrin linker 1; minus strand). Cytogenetic location: 4q28.2.
Variant type: Deletion.
Coding change: c.425_426+2del on transcript NM_144643.4 (MANE Select); coding-DNA position 425 through the canonical splice donor site of the intron after coding-DNA position 426, 4 bases deleted (AAGT; older notation c.425_426+2delAAGT).
Molecular consequence: splice donor variant.
Genome position (GRCh38, 1-based): chr4:129,003,739-129,003,742, ACTT deleted on the plus strand (AAGT on the coding strand, the reverse complement: SCLT1 is on the minus strand). VCF-style (leftmost placement, unchanged base first): chr4-129003738-CACTT-C. GRCh37 (hg19) VCF-style: chr4-129924893-CACTT-C.
Identifiers: ClinVar variation 1927785 (VCV001927785.6), dbSNP rs2530754837, ClinGen allele CA2580071531.
Genomic context (GRCh38, chr4:129,003,738, plus strand): 5'-ACATGAATTTTTAAAAAGGTATGTTAATTCAGAATATAATTTTTAAAAATACATGTCACT[CACTT>C]GATTGGCTAGCTGCAATTGTTCTTGAAGGTTTCTGACTGTTTCATCATCTGCATATATGT-3'